The following is an entry in ClinVar:

NM_002755.4(MAP2K1):c.896-9A>G

Gene: MAP2K1 (mitogen-activated protein kinase kinase 1; plus strand). Cytogenetic location: 15q22.31.
Variant type: single nucleotide variant.
Coding change: c.896-9A>G on transcript NM_002755.4 (MANE Select); 9 bases into the intron before coding-DNA position 896, A replaced by G.
Molecular consequence: intron variant.
Genome position (GRCh38, 1-based): chr15:66,487,219, A>G. VCF-style: chr15-66487219-A-G. GRCh37 (hg19) VCF-style: chr15-66779557-A-G.
Other names: c.752-9A>G (NM_001411065.1).
Identifiers: ClinVar variation 4823075 (VCV004823075.4).

ClinVar aggregate classification (germline): Uncertain significance (1 of 4 stars; one submission).

Submission:

CeGaT Center for Human Genetics Tuebingen
Classification: Uncertain significance. Last evaluated: 2026-01-01. Review status: criteria provided, single submitter. Criteria: CeGaT Center For Human Genetics Tuebingen Variant Classification Criteria Version 2. Collection method: clinical testing. Allele origin: germline. Affected: yes. Observed: 1 variant allele.
Comment: MAP2K1: PM2, PP3